The following is an entry in ClinVar:

ClinVar aggregate classification (germline): Uncertain significance (1 of 4 stars; one submission).

Conditions:
Chédiak-Higashi syndrome (CHS). Also called: Chediak-Higashi Syndrome. Identifiers: Orphanet 167, MedGen C0007965, MONDO:0008963, OMIM 214500.

gnomAD v4.1: 17 of 1,614,046 alleles (0.0011%); highest among the groups gnomAD compares: Non-Finnish European, 0.00085%; no homozygotes.

Submission:

Labcorp Genetics (formerly Invitae), Labcorp
Classification: Uncertain significance for Chédiak-Higashi syndrome. Last evaluated: 2025-11-04. Review status: criteria provided, single submitter. Criteria: Invitae Variant Classification Sherloc (09022015). Collection method: clinical testing. Allele origin: germline.
Comment: This sequence change replaces arginine, which is basic and polar, with serine, which is neutral and polar, at codon 500 of the LYST protein (p.Arg500Ser). This variant is present in population databases (rs758029213, gnomAD 0.009%). This variant has not been reported in the literature in individuals affected with LYST-related conditions. Invitae Evidence Modeling of protein sequence and biophysical properties (such as structural, functional, and spatial information, amino acid conservation, physicochemical variation, residue mobility, and thermodynamic stability) indicates that this missense variant is expected to disrupt LYST protein function with a positive predictive value of 80%. In summary, the available evidence is currently insufficient to determine the role of this variant in disease. Therefore, it has been classified as a Variant of Uncertain Significance.

NM_000081.4(LYST):c.1500G>T (p.Arg500Ser)

Gene: LYST (lysosomal trafficking regulator; minus strand). Cytogenetic location: 1q42.3.
Variant type: single nucleotide variant.
Coding change: c.1500G>T on transcript NM_000081.4 (MANE Select); coding-DNA position 1500, G replaced by T.
Protein change: p.Arg500Ser; replaces arginine 500 with serine.
Molecular consequence: missense variant.
Genome position (GRCh38, 1-based): chr1:235,809,318, C>A on the plus strand (G>T on the coding strand, the complement: LYST is on the minus strand). VCF-style: chr1-235809318-C-A. GRCh37 (hg19) VCF-style: chr1-235972618-C-A.
Other names: c.1500G>T, p.Arg500Ser (NM_001301365.1); short protein forms R500S.
Identifiers: ClinVar variation 4765308 (VCV004765308.1).